The following is an entry in ClinVar:

ClinVar aggregate classification (germline): Uncertain significance. Review status: criteria provided, multiple submitters, no conflicts (2 of 4 stars). 2 submissions from 2 submitters: Uncertain significance (2). Last evaluated 2026-05-15.

Conditions:
Inborn genetic diseases. Identifiers: MedGen C0950123, MeSH D030342.

Submissions (2):

Ambry Genetics
Classification: Uncertain significance for Inborn genetic diseases. Last evaluated: 2026-05-15. Review status: criteria provided, single submitter. Criteria: Ambry Variant Classification Scheme 2023. Collection method: clinical testing. Allele origin: germline.
Comment: The p.Y401C variant (also known as c.1202A>G), located in coding exon 7 of the ETV6 gene, results from an A to G substitution at nucleotide position 1202. The tyrosine at codon 401 is replaced by cysteine, an amino acid with highly dissimilar properties. This amino acid position is highly conserved in available vertebrate species. In addition, this alteration is predicted to be deleterious by in silico analysis. Based on the available evidence, the clinical significance of this variant remains unclear.

Labcorp Genetics (formerly Invitae), Labcorp
Classification: Uncertain significance. Last evaluated: 2024-01-12. Review status: criteria provided, single submitter. Criteria: Invitae Variant Classification Sherloc (09022015). Collection method: clinical testing. Allele origin: germline.
Comment: This sequence change replaces tyrosine, which is neutral and polar, with cysteine, which is neutral and slightly polar, at codon 401 of the ETV6 protein (p.Tyr401Cys). This variant is not present in population databases (gnomAD no frequency). This variant has not been reported in the literature in individuals affected with ETV6-related conditions. Advanced modeling of protein sequence and biophysical properties (such as structural, functional, and spatial information, amino acid conservation, physicochemical variation, residue mobility, and thermodynamic stability) performed at Invitae indicates that this missense variant is expected to disrupt ETV6 protein function with a positive predictive value of 80%. In summary, the available evidence is currently insufficient to determine the role of this variant in disease. Therefore, it has been classified as a Variant of Uncertain Significance.

NM_001987.5(ETV6):c.1202A>G (p.Tyr401Cys)

Gene: ETV6 (ETS variant transcription factor 6; plus strand). Cytogenetic location: 12p13.2.
Variant type: single nucleotide variant.
Coding change: c.1202A>G on transcript NM_001987.5 (MANE Select); coding-DNA position 1202, A replaced by G.
Protein change: p.Tyr401Cys; replaces tyrosine 401 with cysteine.
Molecular consequence: missense variant. On other transcripts: intron variant (1).
Genome position (GRCh38, 1-based): chr12:11,885,975, A>G. VCF-style: chr12-11885975-A-G. GRCh37 (hg19) VCF-style: chr12-12038909-A-G.
Other names: c.1199A>G, p.Tyr400Cys (NM_001413913.1); c.1175A>G, p.Tyr392Cys (NM_001413914.1); c.938A>G, p.Tyr313Cys (NM_001413915.1); c.1010-4966A>G (NM_001413917.1); short protein forms Y313C, Y400C, Y401C, Y392C.
Identifiers: ClinVar variation 2759163 (VCV002759163.4), dbSNP rs2498187067, ClinGen allele CA384044914.
Genomic context (GRCh38, chr12:11,885,975, plus strand): 5'-TGAACAAACAGAACAGAACAAACATGACCTATGAGAAAATGTCCAGAGCCCTGCGCCACT[A>G]CTACAAACTAAACATTATCAGGAAGGAGCCAGGACAAAGGCTTTTGTTCAGGTAGCACTT-3'
Protein context (NP_001978.1, residues 391-411): YEKMSRALRH[Tyr401Cys]YKLNIIRKEP